The following is an entry in ClinVar:

Conditions:
Breast-ovarian cancer, familial, susceptibility to, 1 (BROVCA1). Also called: BRCA1 Hereditary Breast and Ovarian Cancer; OVARIAN CANCER, SUSCEPTIBILITY TO. Identifiers: Orphanet 145, MedGen C2676676, MONDO:0011450, OMIM 604370. Disease mechanism: loss of function.

Submission:

Brotman Baty Institute, University of Washington
No classification provided (evidence only). Condition: Breast-ovarian cancer, familial 1. Review status: no classification provided. Collection method: in vitro. Allele origin: not applicable. Functional consequence: functionally_normal.
ClinVar note: "not provided" was previously submitted as the classification for the variant. However, the classification appeared to be based only on an observation of functional data so it was converted to no classification on 2025-07-30.

NM_007294.4(BRCA1):c.5467+21T>A

Gene: BRCA1 (BRCA1 DNA repair associated; minus strand). Cytogenetic location: 17q21.31.
Variant type: single nucleotide variant.
Coding change: c.5467+21T>A on transcript NM_007294.4 (MANE Select); 21 bases into the intron after coding-DNA position 5467, T replaced by A.
Molecular consequence: intron variant.
Genome position (GRCh38, 1-based): chr17:43,047,622, A>T on the plus strand (T>A on the coding strand, the complement: BRCA1 is on the minus strand). VCF-style: chr17-43047622-A-T. GRCh37 (hg19) VCF-style: chr17-41199639-A-T.
Other names: c.5257+21T>A (NM_001407882.1, NM_001407885.1, NM_001407886.1 and 5 more transcripts); c.2029+21T>A (NM_001408447.1, NM_001408446.1, NM_001408448.1 and 2 more transcripts); c.2032+21T>A (NM_001408433.1, NM_001408441.1, NM_001408437.1 and 10 more transcripts); c.5335+21T>A (NM_001407690.1, NM_001407691.1); c.5338+21T>A (NM_001407687.1, NM_001407683.1, NM_001407684.1 and 6 more transcripts); c.5264+21T>A (NM_001407941.1); c.5341+21T>A (NM_001407673.1, NM_001407674.1, NM_001407677.1 and 8 more transcripts); c.2152+21T>A (NM_001408400.1, NM_001408392.1, NM_001408397.1 and 7 more transcripts); and 83 more.
Identifiers: ClinVar variation 868546 (VCV000868546.3), dbSNP rs2050971311, ClinGen allele CA916080732.